The following is an entry in ClinVar:

NM_004655.4(AXIN2):c.1081G>A (p.Glu361Lys)

Gene: AXIN2 (axin 2; minus strand). Cytogenetic location: 17q24.1.
Variant type: single nucleotide variant.
Coding change: c.1081G>A on transcript NM_004655.4 (MANE Select); coding-DNA position 1081, G replaced by A.
Protein change: p.Glu361Lys; replaces glutamic acid 361 with lysine.
Molecular consequence: missense variant.
Genome position (GRCh38, 1-based): chr17:65,538,322, C>T on the plus strand (G>A on the coding strand, the complement: AXIN2 is on the minus strand). VCF-style: chr17-65538322-C-T. GRCh37 (hg19) VCF-style: chr17-63534440-C-T.
Other names: c.1081G>A, p.Glu361Lys (NM_001363813.1); short protein forms E361K.
Identifiers: ClinVar variation 4619883 (VCV004619883.1).

ClinVar aggregate classification (germline): Uncertain significance (1 of 4 stars; one submission).

Conditions:
Hereditary cancer-predisposing syndrome. Also called: Neoplastic Syndromes, Hereditary; Tumor predisposition; Hereditary Cancer Syndrome; Hereditary neoplastic syndrome. Identifiers: Orphanet 140162, MedGen C0027672, MeSH D009386, MONDO:0015356.

Submission:

Ambry Genetics
Classification: Uncertain significance for Hereditary cancer-predisposing syndrome. Last evaluated: 2025-11-30. Review status: criteria provided, single submitter. Criteria: Ambry Variant Classification Scheme 2023. Collection method: clinical testing. Allele origin: germline.
Comment: The p.E361K variant (also known as c.1081G>A), located in coding exon 4 of the AXIN2 gene, results from a G to A substitution at nucleotide position 1081. The glutamic acid at codon 361 is replaced by lysine, an amino acid with similar properties. This amino acid position is conserved. In addition, this alteration is predicted to be deleterious by in silico analysis. Based on the available evidence, the clinical significance of this variant remains unclear.